The following is an entry in ClinVar:

ClinVar aggregate classification (germline): Uncertain significance. Review status: criteria provided, multiple submitters, no conflicts (2 of 4 stars). 2 submissions from 2 submitters: Uncertain significance (2). Last evaluated 2024-02-23.

Conditions:
Paramyotonia congenita of Von Eulenburg. Also called: PARALYSIS PERIODICA PARAMYOTONICA; Paramyotonia Congenita; Eulenburg disease; Myotonia congenita intermittens; Von Eulenburg paramyotonia congenita. Identifiers: Orphanet 684, MedGen C0221055, MONDO:0008195, OMIM 168300. Disease mechanism: loss of function.
Congenital myasthenic syndrome 16. Identifiers: Orphanet 590, MedGen C3280112, MONDO:0013620, OMIM 614198.
Potassium-aggravated myotonia. Also called: MYOTONIA CONGENITA, ACETAZOLAMIDE-RESPONSIVE; MYOTONIA CONGENITA, ATYPICAL; SODIUM CHANNEL MUSCLE DISEASE; Myotonia congenita, atypical, acetazolamide-responsive. Identifiers: Orphanet 612, Orphanet 99734, Orphanet 99735, Orphanet 99736, MedGen C2931826, MONDO:0018959, OMIM 608390.
Hypokalemic periodic paralysis, type 2 (HOKPP2). Identifiers: Orphanet 681, MedGen C2750061, MONDO:0013234, OMIM 613345.
Hyperkalemic periodic paralysis. Also called: Familial hyperkalemic periodic paralysis; Gamstorp disease. Identifiers: Orphanet 682, MedGen C0238357, MONDO:0008224, OMIM 170500, HP:0007215.
Congenital myopathy 22A, classic (CMYO22A). Identifiers: MedGen C5830453, MONDO:0957247, OMIM 620351.
Congenital myopathy 22B, severe fetal (CMYO22B). Identifiers: MedGen C5830501, MONDO:0957265, OMIM 620369.

Submissions (2):

Labcorp Genetics (formerly Invitae), Labcorp
Classification: Uncertain significance for Hyperkalemic periodic paralysis. Last evaluated: 2024-02-23. Review status: criteria provided, single submitter. Criteria: Invitae Variant Classification Sherloc (09022015). Collection method: clinical testing. Allele origin: germline.
Comment: This variant, c.886_903dup, results in the insertion of 6 amino acid(s) of the SCN4A protein (p.Ser296_Tyr301dup), but otherwise preserves the integrity of the reading frame. This variant is present in population databases (rs769414184, gnomAD 0.01%). This variant has not been reported in the literature in individuals affected with SCN4A-related conditions. ClinVar contains an entry for this variant (Variation ID: 1407751). Experimental studies and prediction algorithms are not available or were not evaluated, and the functional significance of this variant is currently unknown. In summary, the available evidence is currently insufficient to determine the role of this variant in disease. Therefore, it has been classified as a Variant of Uncertain Significance.

Fulgent Genetics
Classification: Uncertain significance for Paramyotonia congenita of Von Eulenburg; Hyperkalemic periodic paralysis; Potassium-aggravated myotonia; Hypokalemic periodic paralysis, type 2; Congenital myasthenic syndrome 16; Congenital myopathy 22A, classic; Congenital myopathy 22B, severe fetal. Last evaluated: 2024-02-19. Review status: criteria provided, single submitter. Criteria: ACMG Guidelines, 2015. Collection method: clinical testing. Allele origin: germline.

NM_000334.4(SCN4A):c.886_903dup (p.Ser296_Tyr301dup)

Gene: SCN4A (sodium voltage-gated channel alpha subunit 4; minus strand). Cytogenetic location: 17q23.3.
Variant type: Duplication.
Coding change: c.886_903dup on transcript NM_000334.4 (MANE Select); coding-DNA positions 886 to 903, 18 bases duplicated (AGCAATGACACGTGGTAC).
Protein change: p.Ser296_Tyr301dup.
Molecular consequence: inframe insertion.
Genome position (GRCh38, 1-based): chr17:63,968,156-63,968,173, GTACCACGTGTCATTGCT duplicated on the plus strand (AGCAATGACACGTGGTAC on the coding strand, the reverse complement: SCN4A is on the minus strand); duplicating any 18 consecutive bases within chr17:63,968,156-63,968,183 gives the same sequence; the c. name uses the placement nearest the transcript's 3' end. VCF-style (leftmost placement, unchanged base first): chr17-63968155-C-CGTACCACGTGTCATTGCT. GRCh37 (hg19) VCF-style: chr17-62045515-C-CGTACCACGTGTCATTGCT.
Identifiers: ClinVar variation 1407751 (VCV001407751.7), dbSNP rs769414184, ClinGen allele CA8710007.